The following is an entry in ClinVar:

NM_001014979.3(CFAP119):c.836G>A (p.Arg279Gln)

Genes: CFAP119 (cilia and flagella associated protein 119; minus strand), PHKG2 (phosphorylase kinase catalytic subunit gamma 2; plus strand). Cytogenetic location: 16p11.2.
Variant type: single nucleotide variant.
Coding change: c.836G>A on transcript NM_001014979.3 (MANE Select); coding-DNA position 836, G replaced by A.
Protein change: p.Arg279Gln; replaces arginine 279 with glutamine.
Molecular consequence: missense variant. On other transcripts: 3 prime UTR variant (1), intron variant (1).
Genome position (GRCh38, 1-based): chr16:30,757,636, C>T on the plus strand (G>A on the coding strand, the complement: CFAP119 is on the minus strand). VCF-style: chr16-30757636-C-T. GRCh37 (hg19) VCF-style: chr16-30768957-C-T.
Other names: c.*539C>T (NM_000294.3); c.1083+677C>T (NM_001172432.2); short protein forms R279Q.
Identifiers: ClinVar variation 2646415 (VCV002646415.24), dbSNP rs201418865, ClinGen allele CA8013485.

ClinVar aggregate classification (germline): Benign (1 of 4 stars; one submission).

Allele frequency attached by ClinVar (database versions not stated): ESP Exome Variant Server 0.00008; 1000 Genomes Project 30x 0.00265; 1000 Genomes Project 0.00319.
gnomAD v4.1: 1,099 of 1,613,254 alleles (0.068%); highest among the groups gnomAD compares: South Asian, 1%; 9 homozygotes.

Submission:

CeGaT Center for Human Genetics Tuebingen
Classification: Benign. Last evaluated: 2023-07-01. Review status: criteria provided, single submitter. Criteria: CeGaT Center For Human Genetics Tuebingen Variant Classification Criteria Version 2. Collection method: clinical testing. Allele origin: germline. Affected: yes. Observed: 2 variant alleles.
Comment: CFAP119: BP4, BS1, BS2